The following is an entry in ClinVar:

ClinVar aggregate classification (germline): Likely benign. Review status: criteria provided, multiple submitters, no conflicts (2 of 4 stars). 3 submissions from 3 submitters: Likely benign (3). Last evaluated 2024-09-07.

Allele frequency attached by ClinVar (database versions not stated): ExAC 0.00003; gnomAD exomes 0.00004; TOPMed 0.00005; gnomAD 0.00006; ESP Exome Variant Server 0.00016.

Submissions (3):

Blueprint Genetics
Classification: Likely benign. Last evaluated: 2024-09-07. Review status: criteria provided, single submitter. Criteria: ACMG Guidelines, 2015. Collection method: clinical testing. Allele origin: germline.

CeGaT Center for Human Genetics Tuebingen
Classification: Likely benign. Last evaluated: 2024-04-01. Review status: criteria provided, single submitter. Criteria: CeGaT Center For Human Genetics Tuebingen Variant Classification Criteria Version 2. Collection method: clinical testing. Allele origin: germline. Affected: yes. Observed: 1 variant allele.
Comment: CC2D1A: BP4, BP7

Labcorp Genetics (formerly Invitae), Labcorp
Classification: Likely benign. Last evaluated: 2024-01-16. Review status: criteria provided, single submitter. Criteria: Invitae Variant Classification Sherloc (09022015). Collection method: clinical testing. Allele origin: germline.

NM_017721.5(CC2D1A):c.1045C>T (p.Leu349=)

Gene: CC2D1A (coiled-coil and C2 domain containing 1A; plus strand). Cytogenetic location: 19p13.12.
Variant type: single nucleotide variant.
Coding change: c.1045C>T on transcript NM_017721.5 (MANE Select); coding-DNA position 1045, C replaced by T.
Protein change: p.Leu349=; no amino-acid change (leucine 349 retained).
Molecular consequence: synonymous variant.
Genome position (GRCh38, 1-based): chr19:13,918,938, C>T. VCF-style: chr19-13918938-C-T. GRCh37 (hg19) VCF-style: chr19-14029751-C-T.
Other names: c.1045C>T, p.Leu349= (NM_001411138.1).
Identifiers: ClinVar variation 2891557 (VCV002891557.24), dbSNP rs373278035, ClinGen allele CA9244518.